The following is an entry in ClinVar:

NM_182493.3(MYLK3):c.477+1G>A

Gene: MYLK3 (myosin light chain kinase 3; minus strand). Cytogenetic location: 16q11.2.
Variant type: single nucleotide variant.
Coding change: c.477+1G>A on transcript NM_182493.3 (MANE Select); the canonical splice donor site of the intron after coding-DNA position 477, G replaced by A.
Molecular consequence: splice donor variant. On other transcripts: intron variant (1).
Genome position (GRCh38, 1-based): chr16:46,747,716, C>T on the plus strand (G>A on the coding strand, the complement: MYLK3 is on the minus strand). VCF-style: chr16-46747716-C-T. GRCh37 (hg19) VCF-style: chr16-46781628-C-T.
Other names: c.-113-7569G>A (NM_001308301.1).
Identifiers: ClinVar variation 4772285 (VCV004772285.1).

ClinVar aggregate classification (germline): Uncertain significance (1 of 4 stars; one submission).

Submission:

Labcorp Genetics (formerly Invitae), Labcorp
Classification: Uncertain significance. Last evaluated: 2025-03-13. Review status: criteria provided, single submitter. Criteria: Invitae Variant Classification Sherloc (09022015). Collection method: clinical testing. Allele origin: germline.
Comment: This sequence change affects a donor splice site in intron 1 of the MYLK3 gene. It is expected to disrupt RNA splicing. Variants that disrupt the donor or acceptor splice site typically lead to a loss of protein function (PMID: 16199547), however the current clinical and genetic evidence is not sufficient to establish whether loss-of-function variants in MYLK3 cause disease. This variant is not present in population databases (gnomAD no frequency). This variant has not been reported in the literature in individuals affected with MYLK3-related conditions. Experimental studies and prediction algorithms are not available or were not evaluated, and the functional significance of this variant is currently unknown. Algorithms developed to predict the effect of sequence changes on RNA splicing suggest that this variant may disrupt the consensus splice site. In summary, the available evidence is currently insufficient to determine the role of this variant in disease. Therefore, it has been classified as a Variant of Uncertain Significance.

Literature cited by the submitters: PubMed 16199547.